The following is an entry in ClinVar:

NM_007118.4(TRIO):c.6877GGC[7] (p.Gly2298dup)

Gene: TRIO (trio Rho guanine nucleotide exchange factor; plus strand). Cytogenetic location: 5p15.2.
Variant type: Microsatellite.
Coding change: c.6877GGC[7] on transcript NM_007118.4 (MANE Select); seven copies in a row of the 3-base unit GGC starting at c.6877; the reference has six copies in a row; one copy, 3 bases duplicated; also written c.6892_6894dup.
Protein change: p.Gly2298dup; duplicates glycine 2298.
Molecular consequence: inframe insertion. On other transcripts: non-coding transcript variant (1).
Genome position (GRCh38, 1-based): chr5:14,487,520-14,487,522, GGC duplicated; duplicating any 3 consecutive bases within chr5:14,487,505-14,487,522 gives the same sequence; the position shown is the placement nearest the transcript's 3' end. VCF-style (leftmost placement, unchanged base first): chr5-14487504-G-GGGC. GRCh37 (hg19) VCF-style: chr5-14487613-G-GGGC.
Other names: c.6892_6894dup (NM_007118.4, NM_007118.3).
Identifiers: ClinVar variation 788726 (VCV000788726.36), dbSNP rs749785358, ClinGen allele CA3207271.

ClinVar aggregate classification (germline): Conflicting classifications of pathogenicity. Review status: criteria provided, conflicting classifications (1 of 4 stars). 7 submissions from 7 submitters: Uncertain significance (1); Benign (2); Likely benign (3). 1 of the submissions does not count toward it. Last evaluated 2026-09-01.

Conditions:
TRIO-related disorder. Also called: TRIO-related condition; TRIO-related disorders.
Intellectual developmental disorder, autosomal dominant 44, with microcephaly. Also called: TRIO-Related Intellectual Disability; Micrognathia-recurrent infections-behavioral abnormalities-mild intellectual disability syndrome. Identifiers: Orphanet 476126, MedGen C4310740, MONDO:0014892, OMIM 617061.
Intellectual developmental disorder, autosomal dominant 63, with macrocephaly. Also called: MENTAL RETARDATION, AUTOSOMAL DOMINANT 63, WITH MACROCEPHALY. Identifiers: MedGen C5394205, MONDO:0032939, OMIM 618825.
Inborn genetic diseases. Identifiers: MedGen C0950123, MeSH D030342.

Submissions (7):

CeGaT Center for Human Genetics Tuebingen
Classification: Likely benign. Last evaluated: 2026-09-01. Review status: criteria provided, single submitter. Criteria: CeGaT Center For Human Genetics Tuebingen Variant Classification Criteria Version 2. Collection method: clinical testing. Allele origin: germline. Affected: yes. Observed: 10 variant alleles.
Comment: TRIO: BS1

Blueprint Genetics
Classification: Likely benign. Last evaluated: 2024-11-20. Review status: criteria provided, single submitter. Criteria: ACMG Guidelines, 2015. Collection method: clinical testing. Allele origin: germline.

Department of Pathology and Laboratory Medicine, Sinai Health System
Classification: Likely benign for Intellectual developmental disorder, autosomal dominant 44, with microcephaly; Intellectual developmental disorder, autosomal dominant 63, with macrocephaly. Last evaluated: 2022-05-06. Review status: criteria provided, single submitter. Criteria: ACMG Guidelines, 2015. Collection method: research. Allele origin: germline.

Ambry Genetics
Classification: Benign for Inborn genetic diseases. Last evaluated: 2021-11-19. Review status: criteria provided, single submitter. Criteria: Ambry Variant Classification Scheme 2023. Collection method: clinical testing. Allele origin: germline.

Revvity Omics, Revvity
Classification: Uncertain significance. Last evaluated: 2020-04-02. Review status: criteria provided, single submitter. Criteria: ACMG Guidelines, 2015. Collection method: clinical testing. Allele origin: germline.

Labcorp Genetics (formerly Invitae), Labcorp
Classification: Benign. Last evaluated: 2019-12-31. Review status: criteria provided, single submitter. Criteria: Invitae Variant Classification Sherloc (09022015). Collection method: clinical testing. Allele origin: germline.

PreventionGenetics, part of Exact Sciences
Classification: Likely benign for TRIO-related condition. Last evaluated: 2019-03-06. Review status: no assertion criteria provided. Collection method: clinical testing. Allele origin: germline. Not counted in ClinVar's aggregate classification.
Comment: This variant is classified as likely benign based on ACMG/AMP sequence variant interpretation guidelines (Richards et al. 2015 PMID: 25741868, with internal and published modifications).